The following is an entry in ClinVar:

ClinVar aggregate classification (germline): Benign/Likely benign. Review status: criteria provided, multiple submitters, no conflicts (2 of 4 stars). 3 submissions from 2 submitters: Benign (2); Likely benign (1). Last evaluated 2021-05-22.

Conditions:
LEOPARD syndrome 2 (LPRD2). Also called: RAF1-Related LEOPARD Syndrome. Identifiers: Orphanet 500, MedGen C1969056, MONDO:0012691, OMIM 611554.
Noonan syndrome 5 (NS5). Also called: RAF1-Related Noonan Syndrome. Identifiers: Orphanet 648, MedGen C1969057, MONDO:0012690, OMIM 611553. Disease mechanism: gain of function.

Allele frequency attached by ClinVar (database versions not stated): gnomAD exomes 0.00263; gnomAD 0.01438 and 0.01554; 1000 Genomes Project 0.01657; TOPMed 0.01675; 1000 Genomes Project 30x 0.01733.
gnomAD v4.1: 2,886 of 406,188 alleles (0.71%); highest among the groups gnomAD compares: African/African-American, 4.7%; 65 homozygotes.

Submissions (3):

GeneDx
Classification: Likely benign. Last evaluated: 2021-05-22. Review status: criteria provided, single submitter. Criteria: GeneDx Variant Classification Process June 2021. Collection method: clinical testing. Allele origin: germline. Affected: yes.

Illumina Laboratory Services, Illumina
Classification: Benign for Noonan syndrome 5. Last evaluated: 2018-01-12. Review status: criteria provided, single submitter. Criteria: ICSL Variant Classification Criteria 13 December 2019. Collection method: clinical testing. Allele origin: germline.
Comment: This variant was observed in the ICSL laboratory as part of a predisposition screen in an ostensibly healthy population. It had not been previously curated by ICSL or reported in the Human Gene Mutation Database (HGMD: prior to June 1st, 2018), and was therefore a candidate for classification through an automated scoring system. Utilizing variant allele frequency, disease prevalence and penetrance estimates, and inheritance mode, an automated score was calculated to assess if this variant is too frequent to cause the disease. Based on the score and internal cut-off values, a variant classified as benign is not then subjected to further curation. The score for this variant resulted in a classification of benign for this disease.

Illumina Laboratory Services, Illumina
Classification: Benign for LEOPARD syndrome 2. Last evaluated: 2018-01-12. Review status: criteria provided, single submitter. Criteria: ICSL Variant Classification Criteria 13 December 2019. Collection method: clinical testing. Allele origin: germline.
Comment: the same text as in the submission from Illumina Laboratory Services, Illumina above.

NM_002880.4(RAF1):c.*348T>C

Gene: RAF1 (Raf-1 proto-oncogene, serine/threonine kinase; minus strand). Cytogenetic location: 3p25.2.
Variant type: single nucleotide variant.
Coding change: c.*348T>C on transcript NM_002880.4 (MANE Select); 348 bases downstream of the stop codon, T replaced by C.
Molecular consequence: 3 prime UTR variant. On other transcripts: non-coding transcript variant (3).
Genome position (GRCh38, 1-based): chr3:12,584,166, A>G on the plus strand (T>C on the coding strand, the complement: RAF1 is on the minus strand). VCF-style: chr3-12584166-A-G. GRCh37 (hg19) VCF-style: chr3-12625665-A-G.
Other names: c.*348T>C (NM_001354689.3, NM_001354690.3, NM_001354691.3 and 4 more transcripts).
Identifiers: ClinVar variation 343098 (VCV000343098.6), dbSNP rs5746247, ClinGen allele CA10615196.